The following is an entry in ClinVar:

ClinVar aggregate classification (germline): Pathogenic (1 of 4 stars; one submission).

Conditions:
Joubert syndrome 6 (JBTS6). Identifiers: Orphanet 475, MedGen C1853153, MONDO:0012539, OMIM 610688.

Submission:

School of Computer Science, University of Waterloo
Classification: Pathogenic for Joubert syndrome 6. Last evaluated: 2021-05-06. Review status: criteria provided, single submitter. Criteria: ACMG Guidelines, 2015. Collection method: clinical testing. Allele origin: germline. Affected: no. Observed: 26 variant alleles.
Comment: Evidence categories PVS1, PM2 and PM4 in ACMG guidelines. This is a stop-gained variant in gene TMEM67 that causes a premature termination codon NP_714915.3:p.Ser77Ter. Two other stop-gained, loss-of-function variants on this gene and its protein had been reported in ClinVar as pathogenic, including ClinVar 506012 (NP_714915.3:p.Arg172Ter) and ClinVar 1376 (NP_714915.3:p.Arg208Ter). Note that the mutated amino acid of the new variant is located at position 77 and hence results in a shorter truncated protein than the other two mutations, causing even more severe damages

NM_153704.6(TMEM67):c.230C>A (p.Ser77Ter)

Gene: TMEM67 (transmembrane protein 67; plus strand). Cytogenetic location: 8q22.1.
Variant type: single nucleotide variant.
Coding change: c.230C>A on transcript NM_153704.6 (MANE Select); coding-DNA position 230, C replaced by A.
Protein change: p.Ser77Ter; replaces serine 77 with a stop codon.
Molecular consequence: nonsense. On other transcripts: non-coding transcript variant (1), intron variant (1).
Genome position (GRCh38, 1-based): chr8:93,755,784, C>A. VCF-style: chr8-93755784-C-A. GRCh37 (hg19) VCF-style: chr8-94768012-C-A.
Other names: c.-62+647C>A (NM_001142301.1); short protein forms S77*.
Identifiers: ClinVar variation 1065634 (VCV001065634.2), dbSNP rs1812544253, ClinGen allele CA371685532.